The following is an entry in ClinVar:

NM_014244.5(ADAMTS2):c.691G>A (p.Ala231Thr)

Gene: ADAMTS2 (ADAM metallopeptidase with thrombospondin type 1 motif 2; minus strand). Cytogenetic location: 5q35.3.
Variant type: single nucleotide variant.
Coding change: c.691G>A on transcript NM_014244.5 (MANE Select); coding-DNA position 691, G replaced by A.
Protein change: p.Ala231Thr; replaces alanine 231 with threonine.
Molecular consequence: missense variant.
Genome position (GRCh38, 1-based): chr5:179,207,713, C>T on the plus strand (G>A on the coding strand, the complement: ADAMTS2 is on the minus strand). VCF-style: chr5-179207713-C-T. GRCh37 (hg19) VCF-style: chr5-178634714-C-T.
Other names: c.691G>A, p.Ala231Thr (NM_021599.4); short protein forms A231T.
Identifiers: ClinVar variation 1327645 (VCV001327645.3), dbSNP rs572648066, ClinGen allele CA3596203.

ClinVar aggregate classification (germline): Uncertain significance (1 of 4 stars; one submission).

Allele frequency attached by ClinVar (database versions not stated): ExAC 0.00004; 1000 Genomes Project 30x 0.00016; 1000 Genomes Project 0.00020.
gnomAD v4.1: 38 of 1,610,420 alleles (0.0024%); highest among the groups gnomAD compares: Admixed American, 0.0067%; no homozygotes.

Submission:

GeneDx
Classification: Uncertain significance. Last evaluated: 2024-11-11. Review status: criteria provided, single submitter. Criteria: GeneDx Variant Classification Process June 2021. Collection method: clinical testing. Allele origin: germline. Affected: yes.
Comment: Has not been previously published as pathogenic or benign to our knowledge; In silico analysis indicates that this missense variant does not alter protein structure/function; Not observed at significant frequency in large population cohorts (gnomAD)